The following is an entry in ClinVar:

NM_014023.4(WDR37):c.105G>A (p.Arg35=)

Gene: WDR37 (WD repeat domain 37; plus strand). Cytogenetic location: 10p15.3.
Variant type: single nucleotide variant.
Coding change: c.105G>A on transcript NM_014023.4 (MANE Select); coding-DNA position 105, G replaced by A.
Protein change: p.Arg35=; no amino-acid change (arginine 35 retained).
Molecular consequence: synonymous variant.
Genome position (GRCh38, 1-based): chr10:1,072,260, G>A. VCF-style: chr10-1072260-G-A. GRCh37 (hg19) VCF-style: chr10-1118200-G-A.
Identifiers: ClinVar variation 3045494 (VCV003045494.2), dbSNP rs1833752736, ClinGen allele CA467954868.

ClinVar aggregate classification (germline): Likely benign (0 of 4 stars; one submission).

Conditions:
WDR37-related disorder. Also called: WDR37-related condition.

Allele frequency attached by ClinVar (database versions not stated): gnomAD exomes below 0.00001.
gnomAD v4.1: 1 of 1,614,208 alleles (0.000062%); highest among the groups gnomAD compares: Non-Finnish European, 0.000085%; no homozygotes.

Submission:

PreventionGenetics, part of Exact Sciences
Classification: Likely benign for WDR37-related condition. Last evaluated: 2022-10-25. Review status: no assertion criteria provided. Collection method: clinical testing. Allele origin: germline.
Comment: This variant is classified as likely benign based on ACMG/AMP sequence variant interpretation guidelines (Richards et al. 2015 PMID: 25741868, with internal and published modifications).